The following is an entry in ClinVar:

NM_198253.3(TERT):c.202G>T (p.Ala68Ser)

Genes: TERT (telomerase reverse transcriptase; minus strand), LOC110806263 (TERT 5' regulatory region; plus strand). Cytogenetic location: 5p15.33.
Variant type: single nucleotide variant.
Coding change: c.202G>T on transcript NM_198253.3 (MANE Select); coding-DNA position 202, G replaced by T.
Protein change: p.Ala68Ser; replaces alanine 68 with serine.
Molecular consequence: missense variant. On other transcripts: non-coding transcript variant (2).
Genome position (GRCh38, 1-based): chr5:1,294,788, C>A on the plus strand (G>T on the coding strand, the complement: TERT is on the minus strand). VCF-style: chr5-1294788-C-A. GRCh37 (hg19) VCF-style: chr5-1294903-C-A.
Other names: c.202G>T, p.Ala68Ser (NM_001193376.3); short protein forms A68S.
Identifiers: ClinVar variation 649275 (VCV000649275.12), dbSNP rs1038954321, ClinGen allele CA112915543.
Genomic context (GRCh38, chr5:1,294,788, plus strand): 5'-CCGCCCTCAACCCCAGCCGGACGCCGACCCCGGGGAGGCCCACCTGGCGGAAGGAGGGGG[C>A]GGCGGGGGGCGGCCGTGCGTCCCAGGGCACGCACACCAGGCACTGGGCCACCAGCGCGCG-3'
Protein context (NP_937983.2, residues 58-78): VPWDARPPPA[Ala68Ser]PSFRQVSCLK

ClinVar aggregate classification (germline): Uncertain significance. Review status: criteria provided, multiple submitters, no conflicts (2 of 4 stars). 2 submissions from 2 submitters: Uncertain significance (2). Last evaluated 2025-06-25.

Conditions:
Idiopathic Pulmonary Fibrosis. Also called: Idiopathic fibrosing alveolitis, chronic form; idiopathic fibrosing alveolitis. Identifiers: Orphanet 2032, MedGen C1800706, MeSH D054990, MONDO:0800504.
Dyskeratosis congenita, autosomal dominant 2. Identifiers: MedGen C3151443, MONDO:0013521, OMIM 613989.
Dyskeratosis congenita. Identifiers: Orphanet 1775, MedGen C0265965, MONDO:0015780.

Allele frequency attached by ClinVar (database versions not stated): gnomAD exomes below 0.00001.
gnomAD v4.1: 2 of 1,527,300 alleles (0.00013%); highest among the groups gnomAD compares: South Asian, 0.0012%; no homozygotes.

Submissions (2):

Ambry Genetics
Classification: Uncertain significance for Dyskeratosis congenita. Last evaluated: 2025-06-25. Review status: criteria provided, single submitter. Criteria: Ambry Variant Classification Scheme 2023. Collection method: clinical testing. Allele origin: germline.
Comment: The p.A68S variant (also known as c.202G>T), located in coding exon 1 of the TERT gene, results from a G to T substitution at nucleotide position 202. The alanine at codon 68 is replaced by serine, an amino acid with similar properties. This amino acid position is not well conserved in available vertebrate species. In addition, this alteration is predicted to be tolerated by in silico analysis. Based on the available evidence, the clinical significance of this variant remains unclear.

Labcorp Genetics (formerly Invitae), Labcorp
Classification: Uncertain significance for Dyskeratosis congenita, autosomal dominant 2; Idiopathic Pulmonary Fibrosis. Last evaluated: 2018-09-20. Review status: criteria provided, single submitter. Criteria: Invitae Variant Classification Sherloc (09022015). Collection method: clinical testing. Allele origin: germline.
Comment: This sequence change replaces alanine with serine at codon 68 of the TERT protein (p.Ala68Ser). The alanine residue is weakly conserved and there is a moderate physicochemical difference between alanine and serine. In summary, the available evidence is currently insufficient to determine the role of this variant in disease. Therefore, it has been classified as a Variant of Uncertain Significance. Algorithms developed to predict the effect of missense changes on protein structure and function output the following: SIFT: "Tolerated"; PolyPhen-2: "Benign"; Align-GVGD: "Class C0". The serine amino acid residue is found in multiple mammalian species, suggesting that this missense change does not adversely affect protein function. These predictions have not been confirmed by published functional studies and their clinical significance is uncertain. This variant has not been reported in the literature in individuals with TERT-related disease. The frequency data for this variant in the population databases is considered unreliable, as metrics indicate insufficient coverage at this position in the ExAC database.